The following is an entry in ClinVar:

NM_002474.3(MYH11):c.2520+7G>T

Gene: MYH11 (myosin heavy chain 11; minus strand). Cytogenetic location: 16p13.11.
Variant type: single nucleotide variant.
Coding change: c.2520+7G>T on transcript NM_002474.3 (MANE Select); 7 bases into the intron after coding-DNA position 2520, G replaced by T.
Molecular consequence: intron variant.
Genome position (GRCh38, 1-based): chr16:15,745,122, C>A on the plus strand (G>T on the coding strand, the complement: MYH11 is on the minus strand). VCF-style: chr16-15745122-C-A. GRCh37 (hg19) VCF-style: chr16-15838979-C-A.
Other names: c.2520+7G>T (NM_022844.3); c.2541+7G>T (NM_001040114.2, NM_001040113.2).
Identifiers: ClinVar variation 386214 (VCV000386214.3), dbSNP rs1057522451, ClinGen allele CA16606893.
Genomic context (GRCh38, chr16:15,745,122, plus strand): 5'-TGAAGGCTCCAGAGTGAAGAAGCAGGGCTGGGGGCCCCTGGGAAGGGGGCTGGGGCAGAG[C>A]ACTCACTTTGGTGAAAAGCCTCCACCACTGCCAGTTCCGCAGCTTGAGGTAGGCGGCGCA-3'

ClinVar aggregate classification (germline): Likely benign. Review status: criteria provided, multiple submitters, no conflicts (2 of 4 stars). 2 submissions from 2 submitters: Likely benign (2). Last evaluated 2024-08-06.

Conditions:
Aortic aneurysm, familial thoracic 4 (AAT4). Also called: AORTIC ANEURYSM/AORTIC DISSECTION AND PATENT DUCTUS ARTERIOSUS. Identifiers: MedGen C1851504, MONDO:0007568, OMIM 132900.

Submissions (2):

Labcorp Genetics (formerly Invitae), Labcorp
Classification: Likely benign for Aortic aneurysm, familial thoracic 4. Last evaluated: 2024-08-06. Review status: criteria provided, single submitter. Criteria: Invitae Variant Classification Sherloc (09022015). Collection method: clinical testing. Allele origin: germline.

GeneDx
Classification: Likely benign. Last evaluated: 2016-05-16. Review status: criteria provided, single submitter. Criteria: GeneDx Variant Classification (06012015). Collection method: clinical testing. Allele origin: germline. Affected: yes.
Comment: This variant is considered likely benign or benign based on one or more of the following criteria: it is a conservative change, it occurs at a poorly conserved position in the protein, it is predicted to be benign by multiple in silico algorithms, and/or has population frequency not consistent with disease.